The following is an entry in ClinVar:

ClinVar aggregate classification (germline): Uncertain significance (1 of 4 stars; one submission).

Conditions:
3-methylglutaconic aciduria, type VIIB (MGCA7B). Also called: CLPB Deficiency; 3-methylglutaconic aciduria with cataracts, neurologic involvement and neutropenia; 3-methylglutaconic aciduria, type VII, with cataracts, neurologic involvement and neutropenia. Identifiers: Orphanet 445038, MedGen C5676893, MONDO:0014561, OMIM 616271.

Submission:

Labcorp Genetics (formerly Invitae), Labcorp
Classification: Uncertain significance for 3-methylglutaconic aciduria, type VIIB. Last evaluated: 2021-02-01. Review status: criteria provided, single submitter. Criteria: Invitae Variant Classification Sherloc (09022015). Collection method: clinical testing. Allele origin: germline.
Comment: This variant, c.256_261del, results in the deletion of 2 amino acid(s) of the CLPB protein (p.Ala86_Thr87del), but otherwise preserves the integrity of the reading frame. This variant has not been reported in the literature in individuals with CLPB-related conditions. This variant is not present in population databases (ExAC no frequency). Experimental studies and prediction algorithms are not available or were not evaluated, and the functional significance of this variant is currently unknown. In summary, the available evidence is currently insufficient to determine the role of this variant in disease. Therefore, it has been classified as a Variant of Uncertain Significance.

NM_001258392.3(CLPB):c.256_261del (p.Ala86_Thr87del)

Genes: CLPB (ClpB family mitochondrial disaggregase; minus strand), LOC130006336 (ATAC-STARR-seq lymphoblastoid active region 5191; plus strand). Cytogenetic location: 11q13.4.
Variant type: Deletion.
Coding change: c.256_261del on transcript NM_001258392.3 (MANE Select); coding-DNA positions 256 to 261, 6 bases deleted (GCCACT; older notation c.256_261delGCCACT).
Protein change: p.Ala86_Thr87del.
Molecular consequence: inframe deletion.
Genome position (GRCh38, 1-based): chr11:72,434,214-72,434,219, AGTGGC deleted on the plus strand (GCCACT on the coding strand, the reverse complement: CLPB is on the minus strand); deleting any 6 consecutive bases within chr11:72,434,214-72,434,221 gives the same sequence; the c. name uses the placement nearest the transcript's 3' end. VCF-style (leftmost placement, unchanged base first): chr11-72434213-AAGTGGC-A. GRCh37 (hg19) VCF-style: chr11-72145257-AAGTGGC-A.
Other names: c.256_261del, p.Ala86_Thr87del (NM_001258393.3, NM_030813.6); c.14_19del, p.Cys5_His6del (NM_001258394.3).
Identifiers: ClinVar variation 1396322 (VCV001396322.12), dbSNP rs1565108155, ClinGen allele CA600245788.